The following is an entry in ClinVar:

NM_002972.4(SBF1):c.1821dup (p.His608fs)

Gene: SBF1 (SET binding factor 1; minus strand). Cytogenetic location: 22q13.33.
Variant type: Duplication.
Coding change: c.1821dup on transcript NM_002972.4 (MANE Select); coding-DNA position 1821, one base duplicated (G; older notation c.1821dupG).
Protein change: p.His608fs; shifts the reading frame from histidine 608.
Molecular consequence: frameshift variant.
Genome position (GRCh38, 1-based): chr22:50,463,361, C duplicated on the plus strand (G on the coding strand, the reverse complement: SBF1 is on the minus strand). VCF-style (leftmost placement, unchanged base first): chr22-50463360-G-GC. GRCh37 (hg19) VCF-style: chr22-50901789-G-GC.
Other names: c.1824dup, p.His609fs (NM_001365819.1, NM_001410794.1); c.1821dup, p.His608fs (NM_001410795.1); short protein forms H608fs, H609fs.
Identifiers: ClinVar variation 3342220 (VCV003342220.16).
Genomic context (GRCh38, chr22:50,463,360, plus strand): 5'-TCATACGGACGACAAAGTCAAACTGCTGGTGGTCCAGGACCGCACGGTTCTGCTGCACAT[G>GC]CAGGTGCAGCTCCTGGGCGAGGCAGCGGCGGGCAGCTCGCCCCTTCAGGGCCCTCAACAC-3'

ClinVar aggregate classification (germline): Pathogenic (1 of 4 stars; one submission).

Submission:

CeGaT Center for Human Genetics Tuebingen
Classification: Pathogenic. Last evaluated: 2026-08-01. Review status: criteria provided, single submitter. Criteria: CeGaT Center For Human Genetics Tuebingen Variant Classification Criteria Version 2. Collection method: clinical testing. Allele origin: germline. Affected: yes. Observed: 4 variant alleles.
Comment: SBF1: PVS1, PM2, PM3:Supporting